The following is an entry in ClinVar:

NM_173630.4(RTTN):c.406A>G (p.Lys136Glu)

Gene: RTTN (rotatin; minus strand). Cytogenetic location: 18q22.2.
Variant type: single nucleotide variant.
Coding change: c.406A>G on transcript NM_173630.4 (MANE Select); coding-DNA position 406, A replaced by G.
Protein change: p.Lys136Glu; replaces lysine 136 with glutamic acid.
Molecular consequence: missense variant. On other transcripts: 5 prime UTR variant (1).
Genome position (GRCh38, 1-based): chr18:70,201,975, T>C on the plus strand (A>G on the coding strand, the complement: RTTN is on the minus strand). VCF-style: chr18-70201975-T-C. GRCh37 (hg19) VCF-style: chr18-67869211-T-C.
Other names: c.-2148A>G (NM_001318520.2); c.406A>G (NM_173630.3); short protein forms K136E.
Identifiers: ClinVar variation 1385414 (VCV001385414.4), dbSNP rs779258069, ClinGen allele CA8996491.

ClinVar aggregate classification (germline): Uncertain significance. Review status: criteria provided, multiple submitters, no conflicts (2 of 4 stars). 2 submissions from 2 submitters: Uncertain significance (2). Last evaluated 2024-09-02.

Conditions:
Inborn genetic diseases. Identifiers: MedGen C0950123, MeSH D030342.

Allele frequency attached by ClinVar (database versions not stated): ExAC 0.00001; gnomAD exomes 0.00001 and 0.00004; TOPMed 0.00005.
gnomAD v4.1: 51 of 1,593,458 alleles (0.0032%); highest among the groups gnomAD compares: Non-Finnish European, 0.0042%; no homozygotes.

Submissions (2):

Ambry Genetics
Classification: Uncertain significance for Inborn genetic diseases. Last evaluated: 2024-09-02. Review status: criteria provided, single submitter. Criteria: Ambry Variant Classification Scheme 2023. Collection method: clinical testing. Allele origin: germline.

Labcorp Genetics (formerly Invitae), Labcorp
Classification: Uncertain significance. Last evaluated: 2021-08-16. Review status: criteria provided, single submitter. Criteria: Invitae Variant Classification Sherloc (09022015). Collection method: clinical testing. Allele origin: germline.
Comment: This sequence change replaces lysine with glutamic acid at codon 136 of the RTTN protein (p.Lys136Glu). The lysine residue is weakly conserved and there is a small physicochemical difference between lysine and glutamic acid. This variant is present in population databases (rs779258069, ExAC 0.002%). This variant has not been reported in the literature in individuals affected with RTTN-related conditions. Algorithms developed to predict the effect of missense changes on protein structure and function output the following: SIFT: "Tolerated"; PolyPhen-2: "Benign"; Align-GVGD: "Class C0". The glutamic acid amino acid residue is found in multiple mammalian species, which suggests that this missense change does not adversely affect protein function. In summary, the available evidence is currently insufficient to determine the role of this variant in disease. Therefore, it has been classified as a Variant of Uncertain Significance.